The following is an entry in ClinVar:

NM_130837.3(OPA1):c.1754+106G>A

Gene: OPA1 (OPA1 mitochondrial dynamin like GTPase; plus strand). Cytogenetic location: 3q29.
Variant type: single nucleotide variant.
Coding change: c.1754+106G>A on transcript NM_130837.3 (MANE Select); 106 bases into the intron after coding-DNA position 1754, G replaced by A.
Molecular consequence: intron variant.
Genome position (GRCh38, 1-based): chr3:193,645,906, G>A. VCF-style: chr3-193645906-G-A. GRCh37 (hg19) VCF-style: chr3-193363695-G-A.
Other names: c.1217+106G>A (NM_001354664.2); c.1220+106G>A (NM_001354663.2); c.1643+106G>A (NM_130834.3); c.1700+106G>A (NM_130836.3); c.1589+106G>A (NM_015560.3); c.1646+106G>A (NM_130835.3); c.1535+106G>A (NM_130832.3); c.1592+106G>A (NM_130833.3); and 1 more.
Identifiers: ClinVar variation 676244 (VCV000676244.2), dbSNP rs34222475, ClinGen allele CA16171256.

ClinVar aggregate classification (germline): Benign. Review status: criteria provided, multiple submitters, no conflicts (2 of 4 stars). 2 submissions from 2 submitters: Benign (2). Last evaluated 2018-06-16.

Allele frequency attached by ClinVar (database versions not stated): 1000 Genomes Project 30x 0.07370; 1000 Genomes Project 0.07448; TOPMed 0.11172; gnomAD 0.11500 and 0.11760.
gnomAD v4.1: 130,227 of 923,858 alleles (14%); highest among the groups gnomAD compares: Non-Finnish European, 16%; 10,442 homozygotes.

Submissions (2):

GeneDx
Classification: Benign. Last evaluated: 2018-06-16. Review status: criteria provided, single submitter. Criteria: GeneDx Variant Classification (06012015). Collection method: clinical testing. Allele origin: germline. Affected: yes.
Comment: This variant is considered likely benign or benign based on one or more of the following criteria: it is a conservative change, it occurs at a poorly conserved position in the protein, it is predicted to be benign by multiple in silico algorithms, and/or has population frequency not consistent with disease.

Breakthrough Genomics
Classification: Benign. Review status: criteria provided, single submitter. Criteria: ACMG Guidelines, 2015. Collection method: not provided. Allele origin: germline. Inheritance: Autosomal recessive inheritance. Affected: yes.